The following is an entry in ClinVar:

ClinVar aggregate classification (germline): Likely pathogenic (1 of 4 stars; one submission).

Conditions:
Sandhoff disease. Also called: GM2-GANGLIOSIDOSIS, TYPE II; HEXOSAMINIDASES A AND B DEFICIENCY; Beta-hexosaminidase-beta-subunit deficiency; GM2 gangliosidosis, type 2; Total hexosaminidase deficiency; Sandhoff-Jatzkewitz-Pilz disease. Identifiers: Orphanet 796, MedGen C0036161, MONDO:0010006, OMIM 268800.

Submission:

Natera, Inc.
Classification: Likely pathogenic for Sandhoff disease. Last evaluated: 2025-04-29. Review status: criteria provided, single submitter. Criteria: Natera Variant Classification Schema (03/2026). Collection method: clinical testing. Allele origin: germline.
Comment: The c.956_957del variant in HEXB is a frameshift variant predicted to shift the reading frame beginning at codon 319 and leads to a stop codon 22 codons downstream. This variant is expected to result in nonsense mediated decay, truncation, or a dysfunctional protein product. This variant is rare in the general population with a frequency below the threshold expected for the associated phenotype(s). Given the available evidence, this variant is classified as Likely Pathogenic.

NM_000521.4(HEXB):c.956_957del (p.Phe319fs)

Gene: HEXB (hexosaminidase subunit beta; plus strand). Cytogenetic location: 5q13.3.
Variant type: Deletion.
Coding change: c.956_957del on transcript NM_000521.4 (MANE Select); coding-DNA positions 956 to 957, 2 bases deleted (TT; older notation c.956_957delTT).
Protein change: p.Phe319fs; shifts the reading frame from phenylalanine 319.
Molecular consequence: frameshift variant.
Genome position (GRCh38, 1-based): chr5:74,715,564-74,715,565, TT deleted; deleting any 2 consecutive bases within chr5:74,715,562-74,715,565 gives the same sequence; the c. name uses the placement nearest the transcript's 3' end. VCF-style (leftmost placement, unchanged base first): chr5-74715561-CTT-C. GRCh37 (hg19) VCF-style: chr5-74011386-CTT-C.
Other names: c.281_282del, p.Phe94fs (NM_001292004.2); short protein forms F319fs, F94fs.
Identifiers: ClinVar variation 4814297 (VCV004814297.1).
Genomic context (GRCh38, chr5:74,715,561, plus strand): 5'-TTCTTCTAGGTCAGAAAGACCTCCTGACTCCATGTTACAGTAGACAAAACAAGTTGGACT[CTT>C]TTGGACCTATAAACCCTACTCTGAATACAACATACAGCTTCCTTACTACATTTTTCAAAG-3'